The following is an entry in ClinVar:

NM_000824.5(GLRB):c.538A>G (p.Thr180Ala)

Gene: GLRB (glycine receptor beta; plus strand). Cytogenetic location: 4q32.1.
Variant type: single nucleotide variant.
Coding change: c.538A>G on transcript NM_000824.5 (MANE Select); coding-DNA position 538, A replaced by G.
Protein change: p.Thr180Ala; replaces threonine 180 with alanine.
Molecular consequence: missense variant.
Genome position (GRCh38, 1-based): chr4:157,136,814, A>G. VCF-style: chr4-157136814-A-G. GRCh37 (hg19) VCF-style: chr4-158057966-A-G.
Other names: c.538A>G, p.Thr180Ala (NM_001166060.2, NM_001166061.2); short protein forms T180A.
Identifiers: ClinVar variation 1396393 (VCV001396393.6), dbSNP rs2126567060, ClinGen allele CA358642819.

ClinVar aggregate classification (germline): Uncertain significance (1 of 4 stars; one submission).

Conditions:
Hyperekplexia 2 (HKPX2). Identifiers: Orphanet 3197, MedGen C3553291, MONDO:0013828, OMIM 614619.

Submission:

Labcorp Genetics (formerly Invitae), Labcorp
Classification: Uncertain significance for Hyperekplexia 2. Last evaluated: 2021-12-05. Review status: criteria provided, single submitter. Criteria: Invitae Variant Classification Sherloc (09022015). Collection method: clinical testing. Allele origin: germline.
Comment: In summary, the available evidence is currently insufficient to determine the role of this variant in disease. Therefore, it has been classified as a Variant of Uncertain Significance. This sequence change replaces threonine, which is neutral and polar, with alanine, which is neutral and non-polar, at codon 180 of the GLRB protein (p.Thr180Ala). This variant is not present in population databases (gnomAD no frequency). This variant has not been reported in the literature in individuals affected with GLRB-related conditions. Algorithms developed to predict the effect of missense changes on protein structure and function (SIFT, PolyPhen-2, Align-GVGD) all suggest that this variant is likely to be disruptive.